The following is an entry in ClinVar:

ClinVar aggregate classification (germline): Pathogenic (1 of 4 stars; one submission).

Conditions:
Sulfite oxidase deficiency. Also called: Isolated sulfite oxidase deficiency. Identifiers: Orphanet 833, Orphanet 99731, MedGen C0268624, MONDO:0010089, OMIM 272300, HP:0003643.

Submission:

Labcorp Genetics (formerly Invitae), Labcorp
Classification: Pathogenic for Sulfite oxidase deficiency. Last evaluated: 2025-06-17. Review status: criteria provided, single submitter. Criteria: Invitae Variant Classification Sherloc (09022015). Collection method: clinical testing. Allele origin: germline.
Comment: This sequence change creates a premature translational stop signal (p.Cys75Leufs*16) in the SUOX gene. While this is not anticipated to result in nonsense mediated decay, it is expected to disrupt the last 471 amino acid(s) of the SUOX protein. This variant is not present in population databases (gnomAD no frequency). This variant has not been reported in the literature in individuals affected with SUOX-related conditions. This variant disrupts a region of the SUOX protein in which other variant(s) (p.Arg529*) have been determined to be pathogenic (PMID: 17940249, 28980090). This suggests that this is a clinically significant region of the protein, and that variants that disrupt it are likely to be disease-causing. For these reasons, this variant has been classified as Pathogenic.

Literature cited by the submitters: PubMed 17940249; PubMed 28980090.

NM_001032386.2(SUOX):c.224del (p.Cys75fs)

Gene: SUOX (sulfite oxidase; plus strand). Cytogenetic location: 12q13.2.
Variant type: Deletion.
Coding change: c.224del on transcript NM_001032386.2 (MANE Select); coding-DNA position 224, one base deleted (G; older notation c.224delG).
Protein change: p.Cys75fs; shifts the reading frame from cysteine 75.
Molecular consequence: frameshift variant.
Genome position (GRCh38, 1-based): chr12:56,002,716, G deleted. VCF-style (leftmost placement, unchanged base first): chr12-56002715-TG-T. GRCh37 (hg19) VCF-style: chr12-56396499-TG-T.
Other names: c.224del, p.Cys75fs (NM_000456.3, NM_001032387.2); short protein forms C75fs.
Identifiers: ClinVar variation 4721620 (VCV004721620.1).